The following is an entry in ClinVar:

NM_018406.7(MUC4):c.14367C>T (p.Thr4789=)

Gene: MUC4 (mucin 4, cell surface associated). Cytogenetic location: 3q29.
Variant type: single nucleotide variant.
Coding change: c.14367C>T on transcript NM_018406.7 (MANE Select); coding-DNA position 14367, C replaced by T.
Protein change: p.Thr4789=; no amino-acid change (threonine 4789 retained).
Molecular consequence: synonymous variant.
Genome position (GRCh38, 1-based): chr3:195,762,232, G>A on the plus strand (C>T on the coding strand, the complement: MUC4 is on the minus strand). VCF-style: chr3-195762232-G-A. GRCh37 (hg19) VCF-style: chr3-195489103-G-A.
Other names: c.20385C>T, p.Thr6795= (NM_001322468.1); c.1659C>T, p.Thr553= (NM_004532.6); c.1506C>T, p.Thr502= (NM_138297.5).
Identifiers: ClinVar variation 2654375 (VCV002654375.24), dbSNP rs141301810, ClinGen allele CA2767895.

ClinVar aggregate classification (germline): Likely benign (1 of 4 stars; one submission).

Allele frequency attached by ClinVar (database versions not stated): ESP Exome Variant Server 0.00123; TOPMed 0.00139; gnomAD 0.00143; ExAC 0.00295.

Submission:

CeGaT Center for Human Genetics Tuebingen
Classification: Likely benign. Last evaluated: 2022-03-01. Review status: criteria provided, single submitter. Criteria: CeGaT Center For Human Genetics Tuebingen Variant Classification Criteria Version 2. Collection method: clinical testing. Allele origin: germline. Affected: yes. Observed: 1 variant allele.
Comment: MUC4: BP4, BP7